The following is an entry in ClinVar:

ClinVar aggregate classification (germline): Likely pathogenic (1 of 4 stars; one submission).

Conditions:
Linear nevus sebaceous syndrome. Also called: SFM SYNDROME; Sebaceous nevus syndrome and hemimegalencephaly; Nevus, Sebaceous of Jadassohn; Linear sebaceous nevus sequence; SCHIMMELPENNING-FEUERSTEIN-MIMS SYNDROME, SOMATIC MOSAIC; JADASSOHN NEVUS PHAKOMATOSIS. Identifiers: Orphanet 2612, MedGen C4552097, MONDO:0008097, OMIM 163200, HP:0010817.

gnomAD v4.1: 1 of 1,613,054 alleles (0.000062%); no homozygotes.

Submission:

Clinical Genomics Laboratory, Washington University in St. Louis
Classification: Likely pathogenic for Linear nevus sebaceous syndrome. Last evaluated: 2025-05-02. Review status: criteria provided, single submitter. Criteria: Leon-Quintero et al. (Clin Genet. 2025). Collection method: clinical testing. Allele origin: somatic. Affected: yes.
Comment: A KRAS c.350A>G (p.Lys117Arg) variant was identified at an allelic fraction consistent with somatic origin. This variant has been reported in several individuals with cancer (Awidi M et al., PMID: 31881025; Loree JM et al., PMID: 34117033; Smith G et al., PMID: 20147967), but to our knowledge, has not been reported in individuals with encephalocraniocutaneous lipomatosis, nevus sebaceous syndrome or other RASopathy disorders. The KRAS c.350A>G (p.Lys117Arg) variant is only observed in 1/1,613,054 alleles in the general population (gnomAD v.4.1.0), indicating that it is not a common variant. Other variants in the same codon, c.351A>C (p.Lys117Asn); c.350A>C (p.Lys117Thr), have been reported and are considered pathogenic/likely pathogenic (Mondal K et al., PMID: 39056802; Janakiraman M et al., PMID: 20570890; ClinVar Variation ID's: 375965, 3224559). Computational predictors indicate that the variant is damaging, evidence that correlates with impact to KRAS function. In support of this prediction, a functional study on the p.Lys117Arg variant showed increased KRAS activity compared to wild-type KRAS and the canonical G12 variants using a cell-based assay (Loree JM et al., PMID: 34117033). The KRAS gene is defined by the ClinGen RASopathy expert panel as a gene that has a low rate of benign missense variation and where pathogenic missense variants are a common mechanism of disease (Gelb BD et al., PMID: 29493581). Based on an internally developed protocol informed by the ACMG/AMP guidelines (Leon-Quintero FZ, et al., PMID: 39434542) and gene-specific practices from the ClinGen Criteria Specification Registry, the KRAS c.350A>G (p.Lys117Arg) variant is classified as likely pathogenic.

NM_004985.5(KRAS):c.350A>G (p.Lys117Arg)

Gene: KRAS (KRAS proto-oncogene, GTPase; minus strand). Cytogenetic location: 12p12.1.
Variant type: single nucleotide variant.
Coding change: c.350A>G on transcript NM_004985.5 (MANE Select); coding-DNA position 350, A replaced by G.
Protein change: p.Lys117Arg; replaces lysine 117 with arginine.
Molecular consequence: missense variant.
Genome position (GRCh38, 1-based): chr12:25,225,714, T>C on the plus strand (A>G on the coding strand, the complement: KRAS is on the minus strand). VCF-style: chr12-25225714-T-C. GRCh37 (hg19) VCF-style: chr12-25378648-T-C.
Other names: c.350A>G, p.Lys117Arg (NM_001369786.1, NM_001369787.1, NM_033360.4); short protein forms K117R.
Identifiers: ClinVar variation 4279977 (VCV004279977.1).